The following is an entry in ClinVar:

NM_000512.5(GALNS):c.268C>G (p.Arg90Gly)

Gene: GALNS (galactosamine (N-acetyl)-6-sulfatase; minus strand). Cytogenetic location: 16q24.3.
Variant type: single nucleotide variant.
Coding change: c.268C>G on transcript NM_000512.5 (MANE Select); coding-DNA position 268, C replaced by G.
Protein change: p.Arg90Gly; replaces arginine 90 with glycine.
Molecular consequence: missense variant. On other transcripts: 5 prime UTR variant (1).
Genome position (GRCh38, 1-based): chr16:88,841,948, G>C on the plus strand (C>G on the coding strand, the complement: GALNS is on the minus strand). VCF-style: chr16-88841948-G-C. GRCh37 (hg19) VCF-style: chr16-88908356-G-C.
Other names: c.-288C>G (NM_001323543.2); c.286C>G, p.Arg96Gly (NM_001323544.2); short protein forms R90G, R96G.
Identifiers: ClinVar variation 1048449 (VCV001048449.3), dbSNP rs1028668536, ClinGen allele CA397089304.

ClinVar aggregate classification (germline): Uncertain significance (1 of 4 stars; one submission).

Conditions:
Mucopolysaccharidosis, MPS-IV-A (MPS4A). Also called: Mucopolysaccharidosis type IV A; Mucopolysaccharidosis Type IVA; Morquio syndrome A, mild; MORQUIO SYNDROME A; MPS IVA; mucopolysaccharidosis type 4A. Identifiers: Orphanet 309297, Orphanet 582, MedGen C0086651, MONDO:0009659, OMIM 253000.

Submission:

Laboratory of Diagnosis and Therapy of Lysosomal Disorders, University of Padova
Classification: Uncertain significance for Mucopolysaccharidosis, MPS-IV-A. Last evaluated: 2021-02-01. Review status: criteria provided, single submitter. Criteria: ACMG Guidelines, 2015. Collection method: research. Allele origin: germline. Affected: yes.
Comment: In vivo functional studies supportive of a damaging effect on the gene product (low to null enzymatic activity in homozygotes; PS3_supporting); absent from gnomAD v2.1.1 (PM2_moderate); multiple lines of computational evidence support a deleterious effect on the gene (PP3_supporting)

Literature cited by the submitters: PubMed 34387910.